The following is an entry in ClinVar:

NM_000535.7(PMS2):c.2289A>C (p.Glu763Asp)

Gene: PMS2 (PMS1 homolog 2, mismatch repair system component; minus strand). Cytogenetic location: 7p22.1.
Variant type: single nucleotide variant.
Coding change: c.2289A>C on transcript NM_000535.7 (MANE Select); coding-DNA position 2289, A replaced by C.
Protein change: p.Glu763Asp; replaces glutamic acid 763 with aspartic acid.
Molecular consequence: missense variant. On other transcripts: intron variant (2).
Genome position (GRCh38, 1-based): chr7:5,977,744, T>G on the plus strand (A>C on the coding strand, the complement: PMS2 is on the minus strand). VCF-style: chr7-5977744-T-G. GRCh37 (hg19) VCF-style: chr7-6017375-T-G.
Other names: c.1716A>C, p.Glu572Asp (NM_001406908.1, NM_001406909.1, NM_001322013.2); c.1518A>C, p.Glu506Asp (NM_001406911.1); c.1086A>C, p.Glu362Asp (NM_001406912.1); c.1602-30A>C (NM_001406910.1); c.2175-30A>C (NM_001406871.1); c.1884A>C, p.Glu628Asp (NM_001406891.1, NM_001406892.1, NM_001406893.1 and 11 more transcripts); c.1824A>C, p.Glu608Asp (NM_001406900.1); c.1815A>C, p.Glu605Asp (NM_001406901.1, NM_001406902.1); and 20 more; short protein forms E452D, E572D, E592D, E601D, E608D, E628D, E651D, E671D.
Identifiers: ClinVar variation 4667299 (VCV004667299.1).

ClinVar aggregate classification (germline): Uncertain significance (1 of 4 stars; one submission).

Conditions:
Hereditary cancer-predisposing syndrome. Also called: Neoplastic Syndromes, Hereditary; Tumor predisposition; Hereditary Cancer Syndrome; Hereditary neoplastic syndrome. Identifiers: Orphanet 140162, MedGen C0027672, MeSH D009386, MONDO:0015356.

Submission:

Ambry Genetics
Classification: Uncertain significance for Hereditary cancer-predisposing syndrome. Last evaluated: 2025-09-22. Review status: criteria provided, single submitter. Criteria: Ambry Variant Classification Scheme 2023. Collection method: clinical testing. Allele origin: germline.
Comment: The p.E763D variant (also known as c.2289A>C), located in coding exon 14 of the PMS2 gene, results from an A to C substitution at nucleotide position 2289. The glutamic acid at codon 763 is replaced by aspartic acid, an amino acid with highly similar properties. This amino acid position is conserved. In addition, this alteration is predicted to be tolerated by in silico analysis. Based on the available evidence, the clinical significance of this variant remains unclear.